The following is an entry in ClinVar:

NM_000310.4(PPT1):c.133T>C (p.Cys45Arg)

Gene: PPT1 (palmitoyl-protein thioesterase 1; minus strand). Cytogenetic location: 1p34.2.
Variant type: single nucleotide variant.
Coding change: c.133T>C on transcript NM_000310.4 (MANE Select); coding-DNA position 133, T replaced by C.
Protein change: p.Cys45Arg; replaces cysteine 45 with arginine.
Molecular consequence: missense variant. On other transcripts: intron variant (1).
Genome position (GRCh38, 1-based): chr1:40,092,499, A>G on the plus strand (T>C on the coding strand, the complement: PPT1 is on the minus strand). VCF-style: chr1-40092499-A-G. GRCh37 (hg19) VCF-style: chr1-40558171-A-G.
Other names: c.133T>C, p.Cys45Arg (NM_001363695.2); c.125-2987T>C (NM_001142604.2); short protein forms C45R.
Identifiers: ClinVar variation 236408 (VCV000236408.5), dbSNP rs878853323, ClinGen allele CA10581624.

ClinVar aggregate classification (germline): Uncertain significance. Review status: criteria provided, single submitter (1 of 4 stars). 2 submissions from 2 submitters: Uncertain significance (1). 1 of the submissions does not count toward it. Last evaluated 2025-04-30.

Conditions:
Neuronal ceroid lipofuscinosis 1 (CLN1). Also called: CEROID LIPOFUSCINOSIS, NEURONAL, 1, VARIABLE AGE AT ONSET; PPT1-Related Neuronal Ceroid-Lipofuscinosis. Identifiers: Orphanet 228329, MedGen C1850451, MONDO:0009744, OMIM 256730.

gnomAD v4.1: 1 of 1,610,608 alleles (0.000062%); highest among the groups gnomAD compares: South Asian, 0.0011%; no homozygotes.

Submissions (2):

Women's Health and Genetics/Laboratory Corporation of America, LabCorp
Classification: Uncertain significance. Last evaluated: 2025-04-30. Review status: criteria provided, single submitter. Criteria: LabCorp Variant Classification Summary - May 2015. Collection method: clinical testing. Allele origin: germline.
Comment: Variant summary: PPT1 c.133T>C (p.Cys45Arg) results in a non-conservative amino acid change in the encoded protein sequence. Five of five in-silico tools predict a damaging effect of the variant on protein function. The variant was absent in 251424 control chromosomes. c.133T>C has been observed in the homozygous sate in at least one individual affected with Neuronal Ceroid-Lipofuscinosis (Batten Disease) (Sheth_2024). These data indicate that the variant may be associated with disease. To our knowledge, no experimental evidence demonstrating an impact on protein function has been reported. The following publication have been ascertained in the context of this evaluation (PMID: 38730490). ClinVar contains an entry for this variant (Variation ID: 236408). Based on the evidence outlined above, the variant was classified as VUS-possibly pathogenic.

Foundation for Research in Genetics and Endocrinology, FRIGE's Institute of Human Genetics
Classification: Likely pathogenic for Neuronal ceroid lipofuscinosis 1. Last evaluated: 2015-04-20. Review status: no assertion criteria provided. Collection method: research. Allele origin: germline. Inheritance: Autosomal recessive inheritance. Affected: yes. Observed: 1 homozygote. Not counted in ClinVar's aggregate classification.
Comment: Variant c.133T>C/p.C45R (ENST00000433473) found to be pathogenic by online software Mutation Taster, SIFT and Polyphen2

Literature cited by the submitters: PubMed 38730490 (cited by Women's Health and Genetics/Laboratory Corporation of America, LabCorp).